The following is an entry in ClinVar:

ClinVar aggregate classification (germline): Uncertain significance (1 of 4 stars; one submission).

Conditions:
NIK deficiency. Also called: Primary immunodeficiency with multifaceted aberrant lymphoid immunity. Identifiers: Orphanet 447731, MedGen C5680065, MONDO:0018642.

Allele frequency attached by ClinVar (database versions not stated): TOPMed below 0.00001.

Submission:

Labcorp Genetics (formerly Invitae), Labcorp
Classification: Uncertain significance for NIK deficiency. Last evaluated: 2022-07-11. Review status: criteria provided, single submitter. Criteria: Invitae Variant Classification Sherloc (09022015). Collection method: clinical testing. Allele origin: germline.
Comment: In summary, the available evidence is currently insufficient to determine the role of this variant in disease. Therefore, it has been classified as a Variant of Uncertain Significance. Algorithms developed to predict the effect of missense changes on protein structure and function output the following: SIFT: "Not Available"; PolyPhen-2: "Not Available"; Align-GVGD: "Not Available". The leucine amino acid residue is found in multiple mammalian species, which suggests that this missense change does not adversely affect protein function. ClinVar contains an entry for this variant (Variation ID: 842747). This variant has not been reported in the literature in individuals affected with MAP3K14-related conditions. This variant is not present in population databases (gnomAD no frequency). This sequence change replaces valine, which is neutral and non-polar, with leucine, which is neutral and non-polar, at codon 539 of the MAP3K14 protein (p.Val539Leu).

NM_003954.5(MAP3K14):c.1615G>C (p.Val539Leu)

Gene: MAP3K14 (mitogen-activated protein kinase kinase kinase 14; minus strand). Cytogenetic location: 17q21.31.
Variant type: single nucleotide variant.
Coding change: c.1615G>C on transcript NM_003954.5 (MANE Select); coding-DNA position 1615, G replaced by C.
Protein change: p.Val539Leu; replaces valine 539 with leucine.
Molecular consequence: missense variant.
Genome position (GRCh38, 1-based): chr17:45,273,545, C>G on the plus strand (G>C on the coding strand, the complement: MAP3K14 is on the minus strand). VCF-style: chr17-45273545-C-G. GRCh37 (hg19) VCF-style: chr17-43350912-C-G.
Other names: short protein forms V539L.
Identifiers: ClinVar variation 842747 (VCV000842747.10), dbSNP rs2044155998, ClinGen allele CA399882237.